The following is an entry in ClinVar:

NM_001852.4(COL9A2):c.1548+6T>G

Gene: COL9A2 (collagen type IX alpha 2 chain; minus strand). Cytogenetic location: 1p34.2.
Variant type: single nucleotide variant.
Coding change: c.1548+6T>G on transcript NM_001852.4 (MANE Select); 6 bases into the intron after coding-DNA position 1548, T replaced by G.
Molecular consequence: intron variant.
Genome position (GRCh38, 1-based): chr1:40,303,524, A>C on the plus strand (T>G on the coding strand, the complement: COL9A2 is on the minus strand). VCF-style: chr1-40303524-A-C. GRCh37 (hg19) VCF-style: chr1-40769196-A-C.
Identifiers: ClinVar variation 1469668 (VCV001469668.6), dbSNP rs756838403, ClinGen allele CA791419.

ClinVar aggregate classification (germline): Uncertain significance (1 of 4 stars; one submission).

Allele frequency attached by ClinVar (database versions not stated): gnomAD exomes below 0.00001 and 0.00001; ExAC 0.00001.

Submission:

Labcorp Genetics (formerly Invitae), Labcorp
Classification: Uncertain significance. Last evaluated: 2023-08-02. Review status: criteria provided, single submitter. Criteria: Invitae Variant Classification Sherloc (09022015). Collection method: clinical testing. Allele origin: germline.
Comment: This sequence change falls in intron 28 of the COL9A2 gene. It does not directly change the encoded amino acid sequence of the COL9A2 protein. It affects a nucleotide within the consensus splice site. This variant is present in population databases (rs756838403, gnomAD 0.0009%). This variant has not been reported in the literature in individuals affected with COL9A2-related conditions. ClinVar contains an entry for this variant (Variation ID: 1469668). Variants that disrupt the consensus splice site are a relatively common cause of aberrant splicing (PMID: 17576681, 9536098). Algorithms developed to predict the effect of sequence changes on RNA splicing suggest that this variant is not likely to affect RNA splicing. In summary, the available evidence is currently insufficient to determine the role of this variant in disease. Therefore, it has been classified as a Variant of Uncertain Significance.

Literature cited by the submitters: PubMed 17576681; PubMed 9536098.